The following is an entry in ClinVar:

NM_022765.4(MICAL1):c.1514C>T (p.Thr505Ile)

Gene: MICAL1 (microtubule associated monooxygenase, calponin and LIM domain containing 1; minus strand). Cytogenetic location: 6q21.
Variant type: single nucleotide variant.
Coding change: c.1514C>T on transcript NM_022765.4 (MANE Select); coding-DNA position 1514, C replaced by T.
Protein change: p.Thr505Ile; replaces threonine 505 with isoleucine.
Molecular consequence: missense variant.
Genome position (GRCh38, 1-based): chr6:109,449,402, G>A on the plus strand (C>T on the coding strand, the complement: MICAL1 is on the minus strand). VCF-style: chr6-109449402-G-A. GRCh37 (hg19) VCF-style: chr6-109770605-G-A.
Other names: c.1256C>T, p.Thr419Ile (NM_001159291.2); c.1571C>T, p.Thr524Ile (NM_001286613.2); short protein forms T505I, T419I, T524I.
Identifiers: ClinVar variation 1500825 (VCV001500825.6), dbSNP rs764361674, ClinGen allele CA3953368.

ClinVar aggregate classification (germline): Uncertain significance (1 of 4 stars; one submission).

Allele frequency attached by ClinVar (database versions not stated): gnomAD exomes below 0.00001; ExAC 0.00001; TOPMed 0.00001.

Submission:

Labcorp Genetics (formerly Invitae), Labcorp
Classification: Uncertain significance. Last evaluated: 2023-11-27. Review status: criteria provided, single submitter. Criteria: Invitae Variant Classification Sherloc (09022015). Collection method: clinical testing. Allele origin: germline.
Comment: This sequence change replaces threonine, which is neutral and polar, with isoleucine, which is neutral and non-polar, at codon 524 of the MICAL1 protein (p.Thr524Ile). This variant is present in population databases (rs764361674, gnomAD 0.003%). This variant has not been reported in the literature in individuals affected with MICAL1-related conditions. ClinVar contains an entry for this variant (Variation ID: 1500825). An algorithm developed to predict the effect of missense changes on protein structure and function (PolyPhen-2) suggests that this variant is likely to be tolerated. In summary, the available evidence is currently insufficient to determine the role of this variant in disease. Therefore, it has been classified as a Variant of Uncertain Significance.